The following is an entry in ClinVar:

NM_001429.4(EP300):c.3636C>T (p.Ser1212=)

Gene: EP300 (EP300 lysine acetyltransferase; plus strand). Cytogenetic location: 22q13.2.
Variant type: single nucleotide variant.
Coding change: c.3636C>T on transcript NM_001429.4 (MANE Select); coding-DNA position 3636, C replaced by T.
Protein change: p.Ser1212=; no amino-acid change (serine 1212 retained).
Molecular consequence: synonymous variant.
Genome position (GRCh38, 1-based): chr22:41,160,687, C>T. VCF-style: chr22-41160687-C-T. GRCh37 (hg19) VCF-style: chr22-41556691-C-T.
Other names: c.3558C>T, p.Ser1186= (NM_001362843.2); c.3636C>T (NM_001429.3).
Identifiers: ClinVar variation 3010062 (VCV003010062.4), dbSNP rs911135531, ClinGen allele CA324545450.
Genomic context (GRCh38, chr22:41,160,687, plus strand): 5'-CCTTCTTGCCGACAGGTATCATTTCTGTGAGAAGTGTTTCAATGAGATCCAAGGGGAGAG[C>T]GTTTCTTTGGGGGATGACCCTTCCCAGCCTCAAACGTAAGTAACTGCATTATTTTGAAAA-3'
Protein context (NP_001420.2, residues 1202-1222): EKCFNEIQGE[Ser1212=]VSLGDDPSQP

ClinVar aggregate classification (germline): Benign. Review status: criteria provided, single submitter (1 of 4 stars). 2 submissions from 2 submitters: Benign (1). 1 of the submissions does not count toward it. Last evaluated 2024-07-30.

Conditions:
Rubinstein-Taybi syndrome due to EP300 haploinsufficiency. Also called: RUBINSTEIN-TAYBI SYNDROME 2; EP300-Related Rubinstein-Taybi Syndrome. Identifiers: Orphanet 353284, Orphanet 783, MedGen C3150941, MONDO:0013364, OMIM 613684.
EP300-related disorder. Also called: EP300-related condition; EP300-related disorders.

Allele frequency attached by ClinVar (database versions not stated): gnomAD 0.00001; gnomAD exomes 0.00001; TOPMed 0.00001.
gnomAD v4.1: 10 of 1,613,894 alleles (0.00062%); highest among the groups gnomAD compares: Admixed American, 0.0033%; no homozygotes.

Submissions (2):

Labcorp Genetics (formerly Invitae), Labcorp
Classification: Benign for Rubinstein-Taybi syndrome due to EP300 haploinsufficiency. Last evaluated: 2024-07-30. Review status: criteria provided, single submitter. Criteria: Invitae Variant Classification Sherloc (09022015). Collection method: clinical testing. Allele origin: germline.

PreventionGenetics, part of Exact Sciences
Classification: Likely benign for EP300-related condition. Last evaluated: 2023-08-10. Review status: no assertion criteria provided. Collection method: clinical testing. Allele origin: germline. Not counted in ClinVar's aggregate classification.
Comment: This variant is classified as likely benign based on ACMG/AMP sequence variant interpretation guidelines (Richards et al. 2015 PMID: 25741868, with internal and published modifications).